The following is an entry in ClinVar:

NM_014391.3(ANKRD1):c.346-19_346-18del

Gene: ANKRD1 (ankyrin repeat domain 1; minus strand). Cytogenetic location: 10q23.31.
Variant type: Deletion.
Coding change: c.346-19_346-18del on transcript NM_014391.3 (MANE Select); 19 bases into the intron before coding-DNA position 346 through 18 bases into the intron before coding-DNA position 346, 2 bases deleted (TT; older notation c.346-19_346-18delTT).
Molecular consequence: intron variant.
Genome position (GRCh38, 1-based): chr10:90,918,990-90,918,991, AA deleted on the plus strand (TT on the coding strand, the reverse complement: ANKRD1 is on the minus strand); deleting any 2 consecutive bases within chr10:90,918,990-90,918,992 gives the same sequence; the c. name uses the placement nearest the transcript's 3' end. VCF-style (leftmost placement, unchanged base first): chr10-90918989-TAA-T. GRCh37 (hg19) VCF-style: chr10-92678746-TAA-T.
Other names: NC_000010.10:g.92678748_92678749del; c.346-19_346-18delTT (NM_014391.2); c.346-20_346-19del (NM_014391.3); c.346-20_346-19delTT (NM_014391.2).
Identifiers: ClinVar variation 201655 (VCV000201655.9), dbSNP rs398014415, ClinGen allele CA335058.

ClinVar aggregate classification (germline): Benign/Likely benign. Review status: criteria provided, multiple submitters, no conflicts (2 of 4 stars). 4 submissions from 4 submitters: Benign (1); Likely benign (1). 2 of the submissions do not count toward it. Last evaluated 2024-04-08.

Conditions:
Congenital total pulmonary venous return anomaly (TAPVR1). Also called: Total anomalous pulmonary venous return; TOTAL ANOMALOUS PULMONARY VENOUS RETURN 1. Identifiers: Orphanet 99125, MedGen C4551903, MONDO:0007130, OMIM 106700, HP:0005160.
Cardiomyopathy (CMYO). Also called: Cardiomyopathies. Identifiers: Orphanet 167848, MedGen C0878544, MONDO:0004994, HP:0001638. Inheritance: Various modes of inheritance.
ANKRD1-related dilated cardiomyopathy. Identifiers: MedGen CN119551.

Submissions (5):

Labcorp Genetics (formerly Invitae), Labcorp
Classification: Likely benign for ANKRD1-related dilated cardiomyopathy. Last evaluated: 2024-04-08. Review status: criteria provided, single submitter. Criteria: Invitae Variant Classification Sherloc (09022015). Collection method: clinical testing. Allele origin: germline.

GeneDx
Classification: Benign for Cardiomyopathy. Last evaluated: 2013-07-15. Review status: criteria provided, single submitter. Criteria: GeneDx Variant Classification (06012015). Collection method: clinical testing. Allele origin: germline. Affected: yes.
Comment: The variant is found in DCM panel(s).

Clinical Genetics, Academic Medical Center
Classification: Benign. Review status: no assertion criteria provided. Collection method: clinical testing. Allele origin: germline. Affected: yes. Study: VKGL Data-share Consensus. Not counted in ClinVar's aggregate classification.

Diagnostic Laboratory, Department of Genetics, University Medical Center Groningen
Classification: Likely benign for Congenital total pulmonary venous return anomaly. Review status: no assertion criteria provided. Collection method: clinical testing. Allele origin: germline. Affected: yes. Study: VKGL Data-share Consensus. Not counted in ClinVar's aggregate classification.

Dr. Peter K. Rogan Lab, Western University
No classification provided (evidence only). Condition: Cholangiocarcinoma. Review status: no classification provided. Collection method: in vitro. Allele origin: not applicable. Functional consequence: retained intron. Not counted in ClinVar's aggregate classification.